The following is an entry in ClinVar:

ClinVar aggregate classification (germline): Conflicting classifications of pathogenicity. Review status: criteria provided, conflicting classifications (1 of 4 stars). 2 submissions from 2 submitters: Uncertain significance (1); Likely benign (1). Last evaluated 2026-01-05.

Conditions:
Acrokeratosis verruciformis of Hopf (AKV). Also called: HOPF DISEASE; Acrokeratosis verruciformis. Identifiers: Orphanet 79151, MedGen C0265971, MONDO:0007048, OMIM 101900.

Submissions (2):

Labcorp Genetics (formerly Invitae), Labcorp
Classification: Likely benign. Last evaluated: 2026-01-05. Review status: criteria provided, single submitter. Criteria: Invitae Variant Classification Sherloc (09022015). Collection method: clinical testing. Allele origin: germline.

Centre for Mendelian Genomics, University Medical Centre Ljubljana
Classification: Uncertain significance for Acrokeratosis verruciformis of Hopf. Last evaluated: 2019-05-14. Review status: criteria provided, single submitter. Criteria: ACMG Guidelines, 2015. Collection method: clinical testing. Allele origin: unknown. Affected: yes.
Comment: This variant was classified as: Uncertain significance. The available evidence favors the benign nature of this variant, however the evidence is insufficent to prove its benign nature. The following ACMG criteria were applied in classifying this variant: BP4.

NM_170665.4(ATP2A2):c.136+21_136+22del

Gene: ATP2A2 (ATPase sarcoplasmic/endoplasmic reticulum Ca2+ transporting 2; plus strand). Cytogenetic location: 12q24.11.
Variant type: Deletion.
Coding change: c.136+21_136+22del on transcript NM_170665.4 (MANE Select); bases 21 to 22 of the intron after coding-DNA position 136, 2 bases deleted (CT; older notation c.136+21_136+22delCT).
Molecular consequence: intron variant.
Genome position (GRCh38, 1-based): chr12:110,282,642-110,282,643, CT deleted; deleting any 2 consecutive bases within chr12:110,282,641-110,282,643 gives the same sequence; the c. name uses the placement nearest the transcript's 3' end. VCF-style (leftmost placement, unchanged base first): chr12-110282640-TTC-T. GRCh37 (hg19) VCF-style: chr12-110720445-TTC-T.
Other names: c.136+21_136+22del (NM_001681.4).
Identifiers: ClinVar variation 931158 (VCV000931158.11), dbSNP rs763637617, ClinGen allele CA6783605.